The following is an entry in ClinVar:

NM_005502.4(ABCA1):c.4579G>T (p.Val1527Leu)

Gene: ABCA1 (ATP binding cassette subfamily A member 1; minus strand). Cytogenetic location: 9q31.1.
Variant type: single nucleotide variant.
Coding change: c.4579G>T on transcript NM_005502.4 (MANE Select); coding-DNA position 4579, G replaced by T.
Protein change: p.Val1527Leu; replaces valine 1527 with leucine.
Molecular consequence: missense variant.
Genome position (GRCh38, 1-based): chr9:104,803,297, C>A on the plus strand (G>T on the coding strand, the complement: ABCA1 is on the minus strand). VCF-style: chr9-104803297-C-A. GRCh37 (hg19) VCF-style: chr9-107565578-C-A.
Other names: short protein forms V1527L.
Identifiers: ClinVar variation 5034342 (VCV005034342.1).

ClinVar aggregate classification (germline): Uncertain significance (1 of 4 stars; one submission).

Conditions:
Cardiovascular phenotype. Identifiers: MedGen CN230736.

Submission:

Ambry Genetics
Classification: Uncertain significance for Cardiovascular phenotype. Last evaluated: 2026-09-13. Review status: criteria provided, single submitter. Criteria: Ambry Variant Classification Scheme 2023. Collection method: clinical testing. Allele origin: germline.
Comment: The p.V1527L variant (also known as c.4579G>T), located in coding exon 32 of the ABCA1 gene, results from a G to T substitution at nucleotide position 4579. The valine at codon 1527 is replaced by leucine, an amino acid with highly similar properties. This amino acid position is conserved. In addition, this alteration is predicted to be deleterious by in silico analysis. Based on the available evidence, the clinical significance of this variant remains unclear.